The following is an entry in ClinVar:

ClinVar aggregate classification (germline): Uncertain significance (1 of 4 stars; one submission).

Submission:

Dasa
Classification: Uncertain significance. Last evaluated: 2025-07-29. Review status: criteria provided, single submitter. Criteria: DASA Assertion Criteria. Collection method: clinical testing. Allele origin: germline.
Comment: NM_201282.2(EGFR):c.1881-1G>T affects a canonical splice site and is predicted to disrupt normal RNA splicing. This variant is absent from population databases. The currently available literature and clinical evidence are not sufficient to establish a definitive association between this variant and the reported condition. Therefore, this variant is classified as a variant of uncertain significance.

NM_005228.5(EGFR):c.1881-2653G>T

Gene: EGFR (epidermal growth factor receptor; plus strand). Cytogenetic location: 7p11.2.
Variant type: single nucleotide variant.
Coding change: c.1881-2653G>T on transcript NM_005228.5 (MANE Select); 2653 bases into the intron before coding-DNA position 1881, G replaced by T.
Molecular consequence: intron variant. On other transcripts: splice acceptor variant (1).
Genome position (GRCh38, 1-based): chr7:55,168,522, G>T. VCF-style: chr7-55168522-G-T. GRCh37 (hg19) VCF-style: chr7-55236215-G-T.
Other names: c.1746-2653G>T (NM_001346899.2, NM_001346897.2); c.1080-2653G>T (NM_001346941.2); c.1881-2653G>T (NM_001346898.2); c.1881-1785G>T (NM_201284.2); c.1881-1G>T (NM_201282.2); c.1722-2653G>T (NM_001346900.2).
Identifiers: ClinVar variation 4881261 (VCV004881261.2).